The following is an entry in ClinVar:

NM_000548.5(TSC2):c.4437C>T (p.Ala1479=)

Gene: TSC2 (TSC complex subunit 2; plus strand). Cytogenetic location: 16p13.3.
Variant type: single nucleotide variant.
Coding change: c.4437C>T on transcript NM_000548.5 (MANE Select); coding-DNA position 4437, C replaced by T.
Protein change: p.Ala1479=; no amino-acid change (alanine 1479 retained).
Molecular consequence: synonymous variant.
Genome position (GRCh38, 1-based): chr16:2,084,659, C>T. VCF-style: chr16-2084659-C-T. GRCh37 (hg19) VCF-style: chr16-2134660-C-T.
Other names: c.4236C>T, p.Ala1412= (NM_001077183.3); c.4368C>T, p.Ala1456= (NM_001114382.3); c.4128C>T, p.Ala1376= (NM_001318827.2); c.4092C>T, p.Ala1364= (NM_001318829.2); c.3705C>T, p.Ala1235= (NM_001318831.2); c.4269C>T, p.Ala1423= (NM_001318832.2); c.4239C>T, p.Ala1413= (NM_001363528.2); c.4305C>T, p.Ala1435= (NM_001370404.1); and 2 more.
Identifiers: ClinVar variation 1604837 (VCV001604837.10), dbSNP rs2151536553, ClinGen allele CA493043341.
Genomic context (GRCh38, chr16:2,084,659, plus strand): 5'-AGGTTACACCATCTCCGACTCGGCCCCATCACGCAGGGGCAAGAGAGTAGAGAGGGACGC[C>T]TTAAAGAGCAGAGCCACAGCCTCCAATGCAGAGAAAGTGCCAGGCATCAACCCCAGGTGG-3'
Protein context (NP_000539.2, residues 1469-1489): SRRGKRVERD[Ala1479=]LKSRATASNA

ClinVar aggregate classification (germline): Benign/Likely benign. Review status: criteria provided, multiple submitters, no conflicts (2 of 4 stars). 3 submissions from 3 submitters: Benign (1); Likely benign (2). Last evaluated 2025-12-21.

Conditions:
Hereditary cancer-predisposing syndrome. Also called: Tumor predisposition; Hereditary Cancer Syndrome; Hereditary neoplastic syndrome; Neoplastic Syndromes, Hereditary. Identifiers: Orphanet 140162, MedGen C0027672, MeSH D009386, MONDO:0015356.
Tuberous sclerosis 2 (TSC2). Identifiers: Orphanet 805, MedGen C1860707, MONDO:0013199, OMIM 613254.

Submissions (3):

Ambry Genetics
Classification: Likely benign for Hereditary cancer-predisposing syndrome. Last evaluated: 2025-12-21. Review status: criteria provided, single submitter. Criteria: Ambry Variant Classification Scheme 2023. Collection method: clinical testing. Allele origin: germline.

Myriad Genetics, Inc.
Classification: Benign for Tuberous sclerosis 2. Last evaluated: 2025-06-03. Review status: criteria provided, single submitter. Criteria: Myriad Autosomal Dominant, Autosomal Recessive and X-Linked Classification Criteria (2023). Collection method: clinical testing. Allele origin: unknown.
Comment: This variant is considered benign. This variant is a silent/synonymous amino acid change and it is not expected to impact splicing.

Labcorp Genetics (formerly Invitae), Labcorp
Classification: Likely benign for Tuberous sclerosis 2. Last evaluated: 2024-12-20. Review status: criteria provided, single submitter. Criteria: Invitae Variant Classification Sherloc (09022015). Collection method: clinical testing. Allele origin: germline.